The following is an entry in ClinVar:

NM_031935.3(HMCN1):c.10746G>C (p.Glu3582Asp)

Gene: HMCN1 (hemicentin 1; plus strand). Cytogenetic location: 1q31.1.
Variant type: single nucleotide variant.
Coding change: c.10746G>C on transcript NM_031935.3 (MANE Select); coding-DNA position 10746, G replaced by C.
Protein change: p.Glu3582Asp; replaces glutamic acid 3582 with aspartic acid.
Molecular consequence: missense variant.
Genome position (GRCh38, 1-based): chr1:186,103,644, G>C. VCF-style: chr1-186103644-G-C. GRCh37 (hg19) VCF-style: chr1-186072776-G-C.
Other names: short protein forms E3582D.
Identifiers: ClinVar variation 1895609 (VCV001895609.5), dbSNP rs749829398, ClinGen allele CA343935536.

ClinVar aggregate classification (germline): Uncertain significance (1 of 4 stars; one submission).

gnomAD v4.1: 2 of 1,613,674 alleles (0.00012%); highest among the groups gnomAD compares: Non-Finnish European, 0.00017%; no homozygotes.

Submission:

Labcorp Genetics (formerly Invitae), Labcorp
Classification: Uncertain significance. Last evaluated: 2022-09-17. Review status: criteria provided, single submitter. Criteria: Invitae Variant Classification Sherloc (09022015). Collection method: clinical testing. Allele origin: germline.
Comment: This sequence change replaces glutamic acid, which is acidic and polar, with aspartic acid, which is acidic and polar, at codon 3582 of the HMCN1 protein (p.Glu3582Asp). This variant is not present in population databases (gnomAD no frequency). This variant has not been reported in the literature in individuals affected with HMCN1-related conditions. Algorithms developed to predict the effect of missense changes on protein structure and function are either unavailable or do not agree on the potential impact of this missense change (SIFT: "Tolerated"; PolyPhen-2: "Possibly Damaging"; Align-GVGD: "Class C0"). In summary, the available evidence is currently insufficient to determine the role of this variant in disease. Therefore, it has been classified as a Variant of Uncertain Significance.